The following is an entry in ClinVar:

ClinVar aggregate classification (germline): Benign/Likely benign. Review status: criteria provided, multiple submitters, no conflicts (2 of 4 stars). 4 submissions from 4 submitters: Benign (1); Likely benign (3). Last evaluated 2026-01-10.

Conditions:
Hereditary cancer-predisposing syndrome. Also called: Hereditary neoplastic syndrome; Neoplastic Syndromes, Hereditary; Tumor predisposition; Hereditary Cancer Syndrome. Identifiers: Orphanet 140162, MedGen C0027672, MeSH D009386, MONDO:0015356.
POLD1-related polyposis and colorectal cancer syndrome (CRCS10). Also called: Colorectal cancer, susceptibility to, 10; Colorectal cancer 10; COLORECTAL CANCER, SUSCEPTIBILITY TO, ON CHROMOSOME 19q. Identifiers: Orphanet 220460, MedGen C2675481, MONDO:0012953, OMIM 612591.

Allele frequency attached by ClinVar (database versions not stated): gnomAD exomes below 0.00001.
gnomAD v4.1: 1 of 1,596,696 alleles (0.000063%); highest among the groups gnomAD compares: Non-Finnish European, 0.000085%; no homozygotes.

Submissions (4):

Labcorp Genetics (formerly Invitae), Labcorp
Classification: Likely benign for POLD1-related polyposis and colorectal cancer syndrome. Last evaluated: 2026-01-10. Review status: criteria provided, single submitter. Criteria: Invitae Variant Classification Sherloc (09022015). Collection method: clinical testing. Allele origin: germline.

Center for Genomic Medicine, Rigshospitalet, Copenhagen University Hospital
Classification: Likely benign. Last evaluated: 2025-03-04. Review status: criteria provided, single submitter. Criteria: ACMG Guidelines, 2015. Collection method: clinical testing. Allele origin: germline.

Myriad Genetics, Inc.
Classification: Benign for POLD1-related polyposis and colorectal cancer syndrome. Last evaluated: 2025-02-06. Review status: criteria provided, single submitter. Criteria: Myriad Autosomal Dominant, Autosomal Recessive and X-Linked Classification Criteria (2023). Collection method: clinical testing. Allele origin: unknown.
Comment: This variant is considered benign. This variant is a silent/synonymous amino acid change and it is not expected to impact splicing.

Ambry Genetics
Classification: Likely benign for Hereditary cancer-predisposing syndrome. Last evaluated: 2023-11-03. Review status: criteria provided, single submitter. Criteria: Ambry Variant Classification Scheme 2023. Collection method: clinical testing. Allele origin: germline.

NM_002691.4(POLD1):c.1452G>A (p.Glu484=)

Gene: POLD1 (DNA polymerase delta 1, catalytic subunit; plus strand). Cytogenetic location: 19q13.33.
Variant type: single nucleotide variant.
Coding change: c.1452G>A on transcript NM_002691.4 (MANE Select); coding-DNA position 1452, G replaced by A.
Protein change: p.Glu484=; no amino-acid change (glutamic acid 484 retained).
Molecular consequence: synonymous variant. On other transcripts: non-coding transcript variant (1).
Genome position (GRCh38, 1-based): chr19:50,406,475, G>A. VCF-style: chr19-50406475-G-A. GRCh37 (hg19) VCF-style: chr19-50909732-G-A.
Other names: c.1452G>A, p.Glu484= (NM_001256849.1, NM_001308632.1); c.1452G>A (NM_002691.2).
Identifiers: ClinVar variation 1100036 (VCV001100036.12), dbSNP rs1191052495, ClinGen allele CA508304718.